The following is an entry in ClinVar:

ClinVar aggregate classification (germline): Uncertain significance (1 of 4 stars; one submission).

Conditions:
Progressive myoclonic epilepsy type 7. Identifiers: Orphanet 435438, MedGen C4015420, MONDO:0014521, OMIM 616187.

Submission:

Labcorp Genetics (formerly Invitae), Labcorp
Classification: Uncertain significance for Progressive myoclonic epilepsy type 7. Last evaluated: 2022-08-16. Review status: criteria provided, single submitter. Criteria: Invitae Variant Classification Sherloc (09022015). Collection method: clinical testing. Allele origin: germline.
Comment: This sequence change replaces valine, which is neutral and non-polar, with methionine, which is neutral and non-polar, at codon 509 of the KCNC1 protein (p.Val509Met). This variant is not present in population databases (gnomAD no frequency). This variant has not been reported in the literature in individuals affected with KCNC1-related conditions. ClinVar contains an entry for this variant (Variation ID: 1389421). Algorithms developed to predict the effect of missense changes on protein structure and function are either unavailable or do not agree on the potential impact of this missense change (SIFT: "Tolerated"; PolyPhen-2: "Possibly Damaging"; Align-GVGD: "Class C0"). In summary, the available evidence is currently insufficient to determine the role of this variant in disease. Therefore, it has been classified as a Variant of Uncertain Significance.

NM_001112741.2(KCNC1):c.1525G>A (p.Val509Met)

Gene: KCNC1 (potassium voltage-gated channel subfamily C member 1; plus strand). Cytogenetic location: 11p15.1.
Variant type: single nucleotide variant.
Coding change: c.1525G>A on transcript NM_001112741.2 (MANE Select); coding-DNA position 1525, G replaced by A.
Protein change: p.Val509Met; replaces valine 509 with methionine.
Molecular consequence: missense variant.
Genome position (GRCh38, 1-based): chr11:17,779,476, G>A. VCF-style: chr11-17779476-G-A. GRCh37 (hg19) VCF-style: chr11-17801023-G-A.
Other names: short protein forms V509M.
Identifiers: ClinVar variation 1389421 (VCV001389421.8), dbSNP rs2133810389, ClinGen allele CA379814014.